The following is an entry in ClinVar:

NM_001134363.3(RBM20):c.2550G>A (p.Glu850=)

Gene: RBM20 (RNA binding motif protein 20; plus strand). Cytogenetic location: 10q25.2.
Variant type: single nucleotide variant.
Coding change: c.2550G>A on transcript NM_001134363.3 (MANE Select); coding-DNA position 2550, G replaced by A.
Protein change: p.Glu850=; no amino-acid change (glutamic acid 850 retained).
Molecular consequence: synonymous variant.
Genome position (GRCh38, 1-based): chr10:110,812,947, G>A. VCF-style: chr10-110812947-G-A. GRCh37 (hg19) VCF-style: chr10-112572705-G-A.
Identifiers: ClinVar variation 3066072 (VCV003066072.3), dbSNP rs2493476367, ClinGen allele CA471507390.
Genomic context (GRCh38, chr10:110,812,947, plus strand): 5'-AACTGATAGAGACCAAGAAGGAGCTGATGATAGAAAAGAAAACACAATGGCAGAGAATGA[G>A]GTAATGATCAATTTCTTCCCCAGGTAAGGCGAGGCAGGCCCTGAAGGAGAATAATCATAA-3'
Protein context (NP_001127835.2, residues 840-860): DRKENTMAEN[Glu850=]AGKEEQEGME

ClinVar aggregate classification (germline): Uncertain significance. Review status: criteria provided, single submitter (1 of 4 stars). 2 submissions from 2 submitters: Uncertain significance (1). 1 of the submissions does not count toward it. Last evaluated 2024-11-04.

Conditions:
Dilated cardiomyopathy 1DD (CMD1DD). Identifiers: Orphanet 154, MedGen C2750995, MONDO:0013168, OMIM 613172.

Submissions (2):

Labcorp Genetics (formerly Invitae), Labcorp
Classification: Uncertain significance for Dilated cardiomyopathy 1DD. Last evaluated: 2024-11-04. Review status: criteria provided, single submitter. Criteria: Invitae Variant Classification Sherloc (09022015). Collection method: clinical testing. Allele origin: germline.
Comment: This sequence change affects codon 850 of the RBM20 mRNA. It is a 'silent' change, meaning that it does not change the encoded amino acid sequence of the RBM20 protein. This variant also falls at the last nucleotide of exon 9, which is part of the consensus splice site for this exon. This variant is not present in population databases (gnomAD no frequency). This variant has not been reported in the literature in individuals affected with RBM20-related conditions. ClinVar contains an entry for this variant (Variation ID: 3066072). Variants that disrupt the consensus splice site are a relatively common cause of aberrant splicing (PMID: 17576681, 9536098). Algorithms developed to predict the effect of sequence changes on RNA splicing suggest that this variant may disrupt the consensus splice site. In summary, the available evidence is currently insufficient to determine the role of this variant in disease. Therefore, it has been classified as a Variant of Uncertain Significance.

Clinical Genetics Laboratory, University Hospital Schleswig-Holstein
Classification: Uncertain significance for Dilated cardiomyopathy 1DD. Last evaluated: 2023-05-23. Review status: no assertion criteria provided. Collection method: clinical testing. Allele origin: germline. Affected: yes. Not counted in ClinVar's aggregate classification.

Literature cited by the submitters: PubMed 17576681 (cited by Labcorp Genetics (formerly Invitae), Labcorp); PubMed 9536098 (cited by Labcorp Genetics (formerly Invitae), Labcorp).